The following is an entry in ClinVar:

ClinVar aggregate classification (germline): Pathogenic (1 of 4 stars; one submission).

Conditions:
Frontotemporal dementia (FTD1). Also called: Dementia, frontotemporal, with or without parkinsonism; Frontotemporal Dementia with Parkinsonism-17 (FTDP-17); FRONTOTEMPORAL LOBAR DEGENERATION WITH TAU INCLUSIONS; FTLD WITH TAU INCLUSIONS; MULTIPLE SYSTEM TAUOPATHY WITH PRESENILE DEMENTIA; FRONTOTEMPORAL DEMENTIA WITH PARKINSONISM. Identifiers: Orphanet 282, MedGen C0338451, MONDO:0017276, OMIM 600274, HP:0002145.

Allele frequency attached by ClinVar (database versions not stated): TOPMed 0.00001.

Submission:

Kosik Lab, Neuroscience Research Institute, University of California Santa Barbara
Classification: Pathogenic for Frontotemporal dementia. Last evaluated: 2021-06-01. Review status: criteria provided, single submitter. Criteria: ACMG Guidelines, 2015. Collection method: case-control. Allele origin: inherited. Inheritance: Autosomal recessive inheritance. Affected: yes. Observed: 6 variant alleles. Study: TANGL.
Comment: Homozygous Variant carriers present with the illness in the family where it was identified.

Literature cited by the submitters: PubMed 23582655.

NM_018965.4(TREM2):c.594G>A (p.Trp198Ter)

Gene: TREM2 (triggering receptor expressed on myeloid cells 2; minus strand). Cytogenetic location: 6p21.1.
Variant type: single nucleotide variant.
Coding change: c.594G>A on transcript NM_018965.4 (MANE Select); coding-DNA position 594, G replaced by A.
Protein change: p.Trp198Ter; replaces tryptophan 198 with a stop codon.
Molecular consequence: nonsense. On other transcripts: intron variant (1).
Genome position (GRCh38, 1-based): chr6:41,158,955, C>T on the plus strand (G>A on the coding strand, the complement: TREM2 is on the minus strand). VCF-style: chr6-41158955-C-T. GRCh37 (hg19) VCF-style: chr6-41126693-C-T.
Other names: c.483-175G>A (NM_001271821.2); short protein forms W198*.
Identifiers: ClinVar variation 1178350 (VCV001178350.2), dbSNP rs1765488318, ClinGen allele CA364057498.